The following is an entry in ClinVar:

ClinVar aggregate classification (germline): Likely benign (1 of 4 stars; one submission).

Conditions:
FTL-related disorder. Also called: FTL-related condition.

Submission:

PreventionGenetics, part of Exact Sciences
Classification: Likely benign for FTL-related condition. Last evaluated: 2025-02-17. Review status: criteria provided, single submitter. Criteria: ACMG Guidelines, 2015. Collection method: clinical testing. Allele origin: germline.
Comment: This variant is classified as likely benign based on ACMG/AMP sequence variant interpretation guidelines (Richards et al. 2015 PMID: 25741868, with internal and published modifications).

NM_000146.4(FTL):c.-174T>C

Gene: FTL (ferritin light chain; plus strand). Cytogenetic location: 19q13.33.
Variant type: single nucleotide variant.
Coding change: c.-174T>C on transcript NM_000146.4 (MANE Select); 174 bases upstream of the start codon, T replaced by C.
Molecular consequence: 5 prime UTR variant.
Genome position (GRCh38, 1-based): chr19:48,965,334, T>C. VCF-style: chr19-48965334-T-C. GRCh37 (hg19) VCF-style: chr19-49468591-T-C.
Identifiers: ClinVar variation 5000359 (VCV005000359.1).